The following is an entry in ClinVar:

ClinVar aggregate classification (germline): Uncertain significance (1 of 4 stars; one submission).

Conditions:
Spastic paraplegia. Identifiers: MedGen C0037772, HP:0001258.

Allele frequency attached by ClinVar (database versions not stated): TOPMed below 0.00001.

Submission:

Labcorp Genetics (formerly Invitae), Labcorp
Classification: Uncertain significance for Spastic paraplegia. Last evaluated: 2022-06-09. Review status: criteria provided, single submitter. Criteria: Invitae Variant Classification Sherloc (09022015). Collection method: clinical testing. Allele origin: germline.
Comment: In summary, the available evidence is currently insufficient to determine the role of this variant in disease. Therefore, it has been classified as a Variant of Uncertain Significance. Algorithms developed to predict the effect of missense changes on protein structure and function output the following: SIFT: "Tolerated"; PolyPhen-2: "Benign"; Align-GVGD: "Class C0". The leucine amino acid residue is found in multiple mammalian species, which suggests that this missense change does not adversely affect protein function. This variant has not been reported in the literature in individuals affected with ZFYVE26-related conditions. This variant is not present in population databases (gnomAD no frequency). This sequence change replaces phenylalanine, which is neutral and non-polar, with leucine, which is neutral and non-polar, at codon 683 of the ZFYVE26 protein (p.Phe683Leu).

NM_015346.4(ZFYVE26):c.2049T>G (p.Phe683Leu)

Gene: ZFYVE26 (zinc finger FYVE-type containing 26; minus strand). Cytogenetic location: 14q24.1.
Variant type: single nucleotide variant.
Coding change: c.2049T>G on transcript NM_015346.4 (MANE Select); coding-DNA position 2049, T replaced by G.
Protein change: p.Phe683Leu; replaces phenylalanine 683 with leucine.
Molecular consequence: missense variant.
Genome position (GRCh38, 1-based): chr14:67,798,213, A>C on the plus strand (T>G on the coding strand, the complement: ZFYVE26 is on the minus strand). VCF-style: chr14-67798213-A-C. GRCh37 (hg19) VCF-style: chr14-68264930-A-C.
Other names: short protein forms F683L.
Identifiers: ClinVar variation 2154291 (VCV002154291.2), dbSNP rs1594930256, ClinGen allele CA390175288.